The following is an entry in ClinVar:

ClinVar aggregate classification (germline): Uncertain significance (1 of 4 stars; one submission).

Conditions:
Cornelia de Lange syndrome 1 (CDLS1). Also called: Brachmann de Lange syndrome; TYPUS DEGENERATIVUS AMSTELODAMENSIS; NIPBL-Related Cornelia de Lange Syndrome. Identifiers: Orphanet 199, MedGen C4551851, MONDO:0007387, OMIM 122470.

Submission:

Labcorp Genetics (formerly Invitae), Labcorp
Classification: Uncertain significance for Cornelia de Lange syndrome 1. Last evaluated: 2024-07-23. Review status: criteria provided, single submitter. Criteria: Invitae Variant Classification Sherloc (09022015). Collection method: clinical testing. Allele origin: germline.
Comment: This variant, c.1128_1130dup, results in the insertion of 1 amino acid(s) of the NIPBL protein (p.Met376dup), but otherwise preserves the integrity of the reading frame. This variant is not present in population databases (gnomAD no frequency). This variant has not been reported in the literature in individuals affected with NIPBL-related conditions. In summary, the available evidence is currently insufficient to determine the role of this variant in disease. Therefore, it has been classified as a Variant of Uncertain Significance.

NM_133433.4(NIPBL):c.1128_1130dup (p.Met376_Ile377insMet)

Gene: NIPBL (NIPBL cohesin loading factor; plus strand). Cytogenetic location: 5p13.2.
Variant type: Duplication.
Coding change: c.1128_1130dup on transcript NM_133433.4 (MANE Select); coding-DNA positions 1128 to 1130, 3 bases duplicated (GAT; older notation c.1128_1130dupGAT).
Protein change: p.Met376_Ile377insMet.
Molecular consequence: inframe insertion.
Genome position (GRCh38, 1-based): chr5:36,976,035-36,976,037, GAT duplicated; duplicating any 3 consecutive bases within chr5:36,976,033-36,976,037 gives the same sequence; the c. name uses the placement nearest the transcript's 3' end. VCF-style (leftmost placement, unchanged base first): chr5-36976032-T-TATG. GRCh37 (hg19) VCF-style: chr5-36976134-T-TATG.
Other names: c.1128_1130dup, p.Met376_Ile377insMet (NM_015384.5).
Identifiers: ClinVar variation 3610637 (VCV003610637.2).